The following is an entry in ClinVar:

ClinVar aggregate classification (germline): Uncertain significance (1 of 4 stars; one submission).

Conditions:
Autosomal dominant nocturnal frontal lobe epilepsy 5. Also called: KCNT1-Related Epilepsy; CILIARY DYSKINESIA, PRIMARY, 28, WITHOUT SITUS INVERSUS; CILIARY DYSKINESIA, PRIMARY, 28, WITH SITUS INVERSUS; Epilepsy, nocturnal frontal lobe, 5. Identifiers: Orphanet 98784, MedGen C3554306, MONDO:0014002, OMIM 615005.
Developmental and epileptic encephalopathy, 14 (DEE14). Also called: Early infantile epileptic encephalopathy 14. Identifiers: Orphanet 293181, MedGen C3554195, MONDO:0013989, OMIM 614959.

Allele frequency attached by ClinVar (database versions not stated): gnomAD exomes 0.00001.
gnomAD v4.1: 3 of 1,613,184 alleles (0.00019%); highest among the groups gnomAD compares: Non-Finnish European, 0.00025%; no homozygotes.

Submission:

Labcorp Genetics (formerly Invitae), Labcorp
Classification: Uncertain significance for Autosomal dominant nocturnal frontal lobe epilepsy 5; Developmental and epileptic encephalopathy, 14. Last evaluated: 2025-08-13. Review status: criteria provided, single submitter. Criteria: Invitae Variant Classification Sherloc (09022015). Collection method: clinical testing. Allele origin: germline.
Comment: This sequence change replaces isoleucine, which is neutral and non-polar, with methionine, which is neutral and non-polar, at codon 185 of the KCNT1 protein (p.Ile185Met). This variant is not present in population databases (gnomAD no frequency). This variant has not been reported in the literature in individuals affected with KCNT1-related conditions. ClinVar contains an entry for this variant (Variation ID: 1035355). Invitae Evidence Modeling of protein sequence and biophysical properties (such as structural, functional, and spatial information, amino acid conservation, physicochemical variation, residue mobility, and thermodynamic stability) indicates that this missense variant is not expected to disrupt KCNT1 protein function with a negative predictive value of 80%. In summary, the available evidence is currently insufficient to determine the role of this variant in disease. Therefore, it has been classified as a Variant of Uncertain Significance.

NM_020822.3(KCNT1):c.555A>G (p.Ile185Met)

Gene: KCNT1 (potassium sodium-activated channel subfamily T member 1; plus strand). Cytogenetic location: 9q34.3.
Variant type: single nucleotide variant.
Coding change: c.555A>G on transcript NM_020822.3 (MANE Select); coding-DNA position 555, A replaced by G.
Protein change: p.Ile185Met; replaces isoleucine 185 with methionine.
Molecular consequence: missense variant.
Genome position (GRCh38, 1-based): chr9:135,756,887, A>G. VCF-style: chr9-135756887-A-G. GRCh37 (hg19) VCF-style: chr9-138648733-A-G.
Other names: c.411A>G, p.Ile137Met (NM_001272003.2); short protein forms I137M, I185M.
Identifiers: ClinVar variation 1035355 (VCV001035355.9), dbSNP rs1588321846, ClinGen allele CA375496974.